The following is an entry in ClinVar:

ClinVar aggregate classification (germline): Uncertain significance. Review status: criteria provided, multiple submitters, no conflicts (2 of 4 stars). 8 submissions from 8 submitters: Uncertain significance (8). Last evaluated 2025-11-25.

Conditions:
Familial ovarian cancer. Identifiers: MedGen C5679802, MONDO:0016248.
Hereditary cancer-predisposing syndrome. Also called: Tumor predisposition; Neoplastic Syndromes, Hereditary; Hereditary Cancer Syndrome; Hereditary neoplastic syndrome. Identifiers: Orphanet 140162, MedGen C0027672, MeSH D009386, MONDO:0015356.
Fanconi anemia complementation group J. Also called: BRIP1-Related Fanconi Anemia. Identifiers: Orphanet 84, MedGen C1836860, MONDO:0012187, OMIM 609054.
Familial cancer of breast. Also called: BREAST CANCER, FAMILIAL; hereditary breast carcinoma; Hereditary breast cancer. Identifiers: Orphanet 227535, MedGen C0346153, MONDO:0016419, OMIM 114480. Disease mechanism: loss of function.

Allele frequency attached by ClinVar (database versions not stated): gnomAD 0.00001; 1000 Genomes Project 30x 0.00016; 1000 Genomes Project 0.00020.
gnomAD v4.1: 2 of 1,609,072 alleles (0.00012%); highest among the groups gnomAD compares: African/African-American, 0.0013%; no homozygotes.

Submissions (8):

Labcorp Genetics (formerly Invitae), Labcorp
Classification: Uncertain significance for Familial cancer of breast; Fanconi anemia complementation group J. Last evaluated: 2025-11-25. Review status: criteria provided, single submitter. Criteria: Invitae Variant Classification Sherloc (09022015). Collection method: clinical testing. Allele origin: germline.
Comment: This sequence change replaces serine, which is neutral and polar, with isoleucine, which is neutral and non-polar, at codon 380 of the BRIP1 protein (p.Ser380Ile). This variant is present in population databases (rs569696977, gnomAD 0.007%). This variant has not been reported in the literature in individuals affected with BRIP1-related conditions. ClinVar contains an entry for this variant (Variation ID: 489805). Invitae Evidence Modeling of protein sequence and biophysical properties (such as structural, functional, and spatial information, amino acid conservation, physicochemical variation, residue mobility, and thermodynamic stability) has been performed for this missense variant. However, the output from this modeling did not meet the statistical confidence thresholds required to predict the impact of this variant on BRIP1 protein function. In summary, the available evidence is currently insufficient to determine the role of this variant in disease. Therefore, it has been classified as a Variant of Uncertain Significance.

Women's Health and Genetics/Laboratory Corporation of America, LabCorp
Classification: Uncertain significance. Last evaluated: 2025-10-15. Review status: criteria provided, single submitter. Criteria: LabCorp Variant Classification Summary - May 2015. Collection method: clinical testing. Allele origin: germline.
Comment: Variant summary: BRIP1 c.1139G>T (p.Ser380Ile) results in a non-conservative amino acid change in the encoded protein sequence. Algorithms developed to predict the effect of missense changes on protein structure and function are either unavailable or do not agree on the potential impact of this missense change. Consensus agreement among computation tools predict no significant impact on normal splicing. However, these predictions have yet to be confirmed by functional studies. The variant allele was found at a frequency of 4e-06 in 251206 control chromosomes. The available data on variant occurrences in the general population are insufficient to allow any conclusion about variant significance. c.1139G>T has been observed in an individual affected with Breast Cancer (de Oliveira_2022). These data do not allow any conclusion about variant significance. To our knowledge, no experimental evidence demonstrating an impact on protein function has been reported. The following publication have been ascertained in the context of this evaluation (PMID: 35534704). ClinVar contains an entry for this variant (Variation ID: 489805). Based on the evidence outlined above, the variant was classified as uncertain significance.

Ambry Genetics
Classification: Uncertain significance for Hereditary cancer-predisposing syndrome. Last evaluated: 2025-08-30. Review status: criteria provided, single submitter. Criteria: Ambry Variant Classification Scheme 2023. Collection method: clinical testing. Allele origin: germline.
Comment: The p.S380I variant (also known as c.1139G>T), located in coding exon 7 of the BRIP1 gene, results from a G to T substitution at nucleotide position 1139. The serine at codon 380 is replaced by isoleucine, an amino acid with dissimilar properties. This variant was reported in 0/60,466 breast cancer cases and in 1/53,461 controls (Dorling et al. N Engl J Med. 2021 02;384:428-439). This amino acid position is not well conserved in available vertebrate species. In addition, this alteration is predicted to be tolerated by in silico analysis. Since supporting evidence is limited at this time, the clinical significance of this alteration remains unclear.

Department of Pathology and Laboratory Medicine, Sinai Health System
Classification: Uncertain significance for familial ovarian cancer. Last evaluated: 2025-02-10. Review status: criteria provided, single submitter. Criteria: ACMG Guidelines, 2015. Collection method: clinical testing. Allele origin: germline.

KCCC/NGS Laboratory, Kuwait Cancer Control Center
Classification: Uncertain significance for Familial cancer of breast. Last evaluated: 2024-07-31. Review status: criteria provided, single submitter. Criteria: ACMG Guidelines, 2015. Collection method: clinical testing. Allele origin: germline. Inheritance: Autosomal dominant inheritance. Affected: yes. Observed: 1 heterozygote.
Comment: This sequence change replaces serine, which is neutral and polar, with isoleucine, which is neutral and non-polar, at codon 380 of the BRIP1 protein (p.Ser380Ile).This amino acid position is not well conserved (PhyloP=1.76) . This variant is present in population databases (rs569696977, gnomAD 0.007%). This variant has not been reported inthe literature in individuals affected with BRIP1-related conditions. ClinVar contains an entry for this variant (Variation ID: 489805). In addition, this alteration is predicted to be tolerated by in silico analysis. In summary, the available evidence is currently insufficient to determine the role of this variant in disease. Therefore, it has been classified as a Variant of Uncertain Significance.

Color Diagnostics, LLC DBA Color Health
Classification: Uncertain significance for Hereditary cancer-predisposing syndrome. Last evaluated: 2024-01-08. Review status: criteria provided, single submitter. Criteria: ACMG Guidelines, 2015. Collection method: clinical testing. Allele origin: germline.
Comment: This missense variant replaces serine with isoleucine at codon 380 of the BRIP1 protein. Computational prediction suggests that this variant may not impact protein structure and function. To our knowledge, functional studies have not been reported for this variant. This variant has not been reported in individuals affected with BRIP1-related disorders in the literature. In an international breast cancer case-control meta-analysis, this variant was absent in 60466 cases and detected in 1/53461 unaffected controls (PMID: 33471991). This variant has been identified in 1/251206 chromosomes in the general population by the Genome Aggregation Database (gnomAD). The available evidence is insufficient to determine the role of this variant in disease conclusively. Therefore, this variant is classified as a Variant of Uncertain Significance.

Baylor Genetics
Classification: Uncertain significance for Familial cancer of breast. Last evaluated: 2023-05-13. Review status: criteria provided, single submitter. Criteria: ACMG Guidelines, 2015. Collection method: clinical testing. Allele origin: unknown.

Quest Diagnostics Nichols Institute San Juan Capistrano
Classification: Uncertain significance. Last evaluated: 2018-05-17. Review status: criteria provided, single submitter. Criteria: Quest Diagnostics criteria. Collection method: clinical testing. Allele origin: germline.

Literature cited by the submitters: PubMed 35534704 (cited by Women's Health and Genetics/Laboratory Corporation of America, LabCorp); PubMed 33471991 (cited by 3 submitters).

NM_032043.3(BRIP1):c.1139G>T (p.Ser380Ile)

Gene: BRIP1 (BRCA1 interacting DNA helicase 1; minus strand). Cytogenetic location: 17q23.2.
Variant type: single nucleotide variant.
Coding change: c.1139G>T on transcript NM_032043.3 (MANE Select); coding-DNA position 1139, G replaced by T.
Protein change: p.Ser380Ile; replaces serine 380 with isoleucine.
Molecular consequence: missense variant.
Genome position (GRCh38, 1-based): chr17:61,801,254, C>A on the plus strand (G>T on the coding strand, the complement: BRIP1 is on the minus strand). VCF-style: chr17-61801254-C-A. GRCh37 (hg19) VCF-style: chr17-59878615-C-A.
Other names: short protein forms S380I.
Identifiers: ClinVar variation 489805 (VCV000489805.29), dbSNP rs569696977, ClinGen allele CA8690800.